The following is an entry in ClinVar:

ClinVar aggregate classification (germline): Pathogenic (1 of 4 stars; one submission).

Conditions:
Hyperinsulinemic hypoglycemia, familial, 1 (HHF1). Also called: HYPERINSULINISM, FAMILIAL, WITH PANCREATIC NESIDIOBLASTOSIS; HYPOGLYCEMIA, HYPERINSULINEMIC, OF INFANCY; NESIDIOBLASTOSIS OF PANCREAS; Persistent Hyperinsulinemia Hypoglycemia of Infancy; Persistent hyperinsulinemic hypoglycemia of infancy. Identifiers: Orphanet 276575, Orphanet 276598, MedGen C2931832, MONDO:0009734, OMIM 256450.

Submission:

Myriad Genetics, Inc.
Classification: Pathogenic for Hyperinsulinemic hypoglycemia, familial, 1. Last evaluated: 2023-09-27. Review status: criteria provided, single submitter. Criteria: Myriad Autosomal Dominant, Autosomal Recessive and X-Linked Classification Criteria (2023). Collection method: clinical testing. Allele origin: unknown.
Comment: NM_000352.3(ABCC8):c.49dupG(V17Gfs*72) is expected to be pathogenic in the context of familial hyperinsulinism, ABCC8-related. This variant is predicted to lead to an abnormal or absent protein product due to the creation of a premature termination codon in ABCC8, a gene where loss-of-function variants are known to be pathogenic. Please note: this variant was assessed in the context of healthy population screening.

NM_000352.6(ABCC8):c.49dup (p.Val17fs)

Gene: ABCC8 (ATP binding cassette subfamily C member 8; minus strand). Cytogenetic location: 11p15.1.
Variant type: Duplication.
Coding change: c.49dup on transcript NM_000352.6 (MANE Select); coding-DNA position 49, one base duplicated (G; older notation c.49dupG).
Protein change: p.Val17fs; shifts the reading frame from valine 17.
Molecular consequence: frameshift variant. On other transcripts: non-coding transcript variant (1).
Genome position (GRCh38, 1-based): chr11:17,476,728, C duplicated on the plus strand (G on the coding strand, the reverse complement: ABCC8 is on the minus strand); the first of 3 consecutive C bases (chr11:17,476,728-17,476,730); duplicating any one gives the same sequence. VCF-style (leftmost placement, unchanged base first): chr11-17476727-A-AC. GRCh37 (hg19) VCF-style: chr11-17498274-A-AC.
Other names: c.49dup, p.Val17fs (NM_001287174.3, NM_001351295.2, NM_001351296.2 and 1 more transcripts); short protein forms V17fs.
Identifiers: ClinVar variation 5011789 (VCV005011789.1).